The following is an entry in ClinVar:

NM_000494.4(COL17A1):c.2435_2440del (p.Glu812_Ser814delinsAla)

Gene: COL17A1 (collagen type XVII alpha 1 chain; minus strand). Cytogenetic location: 10q25.1.
Variant type: Deletion.
Coding change: c.2435_2440del on transcript NM_000494.4 (MANE Select); coding-DNA positions 2435 to 2440, 6 bases deleted (AGGGGT; older notation c.2435_2440delAGGGGT).
Protein change: p.Glu812_Ser814delinsAla.
Molecular consequence: inframe indel.
Genome position (GRCh38, 1-based): chr10:104,043,576-104,043,581, ACCCCT deleted on the plus strand (AGGGGT on the coding strand, the reverse complement: COL17A1 is on the minus strand). VCF-style (leftmost placement, unchanged base first): chr10-104043575-GACCCCT-G. GRCh37 (hg19) VCF-style: chr10-105803333-GACCCCT-G.
Identifiers: ClinVar variation 1690894 (VCV001690894.2), dbSNP rs2134590604, ClinGen allele CA2573145530.

ClinVar aggregate classification (germline): Likely pathogenic (1 of 4 stars; one submission).

Submission:

Laboratorio de Genetica e Diagnostico Molecular, Hospital Israelita Albert Einstein
Classification: Likely pathogenic. Last evaluated: 2020-06-03. Review status: criteria provided, single submitter. Criteria: ACMG Guidelines, 2015. Collection method: clinical testing. Allele origin: germline. Affected: yes.
Comment: ACMG classification criteria: PVS1, PS4, PM2